The following is an entry in ClinVar:

ClinVar aggregate classification (germline): Conflicting classifications of pathogenicity. Review status: criteria provided, conflicting classifications (1 of 4 stars). 8 submissions from 8 submitters: Likely pathogenic (1); Uncertain significance (6). 1 of the submissions does not count toward it. Last evaluated 2024-09-30.

Conditions:
Inborn genetic diseases. Identifiers: MedGen C0950123, MeSH D030342.
SLC39A8-CDG. Also called: SLC39A8 deficiency; CONGENITAL DISORDER OF GLYCOSYLATION, TYPE IIn; CDG IIn. Identifiers: Orphanet 468699, MedGen C4225234, MONDO:0014746, OMIM 616721.

Allele frequency attached by ClinVar (database versions not stated): ExAC 0.00001; gnomAD 0.00001; gnomAD exomes 0.00001; TOPMed 0.00002.

Submissions (8):

Ambry Genetics
Classification: Uncertain significance for Inborn genetic diseases. Last evaluated: 2024-09-30. Review status: criteria provided, single submitter. Criteria: Ambry Variant Classification Scheme 2023. Collection method: clinical testing. Allele origin: germline.

Blueprint Genetics
Classification: Uncertain significance. Last evaluated: 2024-08-14. Review status: criteria provided, single submitter. Criteria: ACMG Guidelines, 2015. Collection method: clinical testing. Allele origin: germline.

Dasa
Classification: Uncertain significance. Last evaluated: 2024-08-02. Review status: criteria provided, single submitter. Criteria: DASA Assertion Criteria. Collection method: clinical testing. Allele origin: germline.
Comment: NM_001135146.2(SLC39A8):c.965T>C (p.Ile322Thr) is a missense variant that results in the substitution of isoleucine with threonine. This variant is rare in population databases. Computational prediction algorithms are consistent with a deleterious effect. The currently available literature and clinical evidence are not sufficient to establish a definitive association between this variant and the reported condition. Therefore, this variant is classified as a variant of uncertain significance.

Baylor Genetics
Classification: Uncertain significance for SLC39A8-CDG. Last evaluated: 2024-01-02. Review status: criteria provided, single submitter. Criteria: ACMG Guidelines, 2015. Collection method: clinical testing. Allele origin: unknown.

Labcorp Genetics (formerly Invitae), Labcorp
Classification: Uncertain significance. Last evaluated: 2022-07-04. Review status: criteria provided, single submitter. Criteria: Invitae Variant Classification Sherloc (09022015). Collection method: clinical testing. Allele origin: germline.
Comment: This variant is present in population databases (rs755786784, gnomAD 0.004%). This sequence change replaces isoleucine, which is neutral and non-polar, with threonine, which is neutral and polar, at codon 322 of the SLC39A8 protein (p.Ile322Thr). This variant has not been reported in the literature in individuals affected with SLC39A8-related conditions. In summary, the available evidence is currently insufficient to determine the role of this variant in disease. Therefore, it has been classified as a Variant of Uncertain Significance. Algorithms developed to predict the effect of missense changes on protein structure and function are either unavailable or do not agree on the potential impact of this missense change (SIFT: "Deleterious"; PolyPhen-2: "Probably Damaging"; Align-GVGD: "Class C0"). ClinVar contains an entry for this variant (Variation ID: 1013495).

Mendelics
Classification: Likely pathogenic for SLC39A8-CDG. Last evaluated: 2022-05-04. Review status: criteria provided, single submitter. Criteria: Mendelics Assertion Criteria 2019. Collection method: clinical testing. Allele origin: germline.

CeGaT Center for Human Genetics Tuebingen
Classification: Uncertain significance. Last evaluated: 2020-12-01. Review status: criteria provided, single submitter. Criteria: CeGaT Center For Human Genetics Tuebingen Variant Classification Criteria Version 2. Collection method: clinical testing. Allele origin: germline. Affected: yes. Observed: 1 variant allele.

Molecular Genetics Laboratory, BC Children's and BC Women's Hospitals
Classification: Uncertain significance for SLC39A8-CDG. Last evaluated: 2025-05-27. Review status: no assertion criteria provided. Criteria: ACMG Guidelines, 2015. Collection method: clinical testing. Allele origin: maternal. Affected: yes. Not counted in ClinVar's aggregate classification.

NM_001135146.2(SLC39A8):c.965T>C (p.Ile322Thr)

Genes: SLC39A8 (solute carrier family 39 member 8; minus strand), LOC126807125 (MED14-independent group 3 enhancer GRCh37_chr4:103188587-103189786; plus strand). Cytogenetic location: 4q24.
Variant type: single nucleotide variant.
Coding change: c.965T>C on transcript NM_001135146.2 (MANE Select); coding-DNA position 965, T replaced by C.
Protein change: p.Ile322Thr; replaces isoleucine 322 with threonine.
Molecular consequence: missense variant.
Genome position (GRCh38, 1-based): chr4:102,267,955, A>G on the plus strand (T>C on the coding strand, the complement: SLC39A8 is on the minus strand). VCF-style: chr4-102267955-A-G. GRCh37 (hg19) VCF-style: chr4-103189112-A-G.
Other names: c.965T>C, p.Ile322Thr (NM_001135147.1, NM_022154.5); c.764T>C, p.Ile255Thr (NM_001135148.2); short protein forms I255T, I322T.
Identifiers: ClinVar variation 1013495 (VCV001013495.48), dbSNP rs755786784, ClinGen allele CA3025537.